The following is an entry in ClinVar:

ClinVar aggregate classification (germline): Uncertain significance (1 of 4 stars; one submission).

Conditions:
Combined immunodeficiency due to OX40 deficiency. Also called: Immunodeficiency 16; OX40 DEFICIENCY. Identifiers: Orphanet 431149, MedGen C3810053, MONDO:0014268, OMIM 615593.

Allele frequency attached by ClinVar (database versions not stated): gnomAD exomes 0.00001 and 0.00002; ExAC 0.00002; TOPMed 0.00002; gnomAD 0.00003.
gnomAD v4.1: 21 of 1,599,672 alleles (0.0013%); highest among the groups gnomAD compares: East Asian, 0.0023%; no homozygotes.

Submission:

Labcorp Genetics (formerly Invitae), Labcorp
Classification: Uncertain significance for Combined immunodeficiency due to OX40 deficiency. Last evaluated: 2025-11-06. Review status: criteria provided, single submitter. Criteria: Invitae Variant Classification Sherloc (09022015). Collection method: clinical testing. Allele origin: germline.
Comment: This sequence change replaces asparagine, which is neutral and polar, with aspartic acid, which is acidic and polar, at codon 73 of the TNFRSF4 protein (p.Asn73Asp). This variant is present in population databases (rs776299984, gnomAD 0.006%). This variant has not been reported in the literature in individuals affected with TNFRSF4-related conditions. ClinVar contains an entry for this variant (Variation ID: 1402151). Invitae Evidence Modeling of protein sequence and biophysical properties (such as structural, functional, and spatial information, amino acid conservation, physicochemical variation, residue mobility, and thermodynamic stability) indicates that this missense variant is expected to disrupt TNFRSF4 protein function with a positive predictive value of 80%. In summary, the available evidence is currently insufficient to determine the role of this variant in disease. Therefore, it has been classified as a Variant of Uncertain Significance.

NM_003327.4(TNFRSF4):c.217A>G (p.Asn73Asp)

Gene: TNFRSF4 (TNF receptor superfamily member 4; minus strand). Cytogenetic location: 1p36.33.
Variant type: single nucleotide variant.
Coding change: c.217A>G on transcript NM_003327.4 (MANE Select); coding-DNA position 217, A replaced by G.
Protein change: p.Asn73Asp; replaces asparagine 73 with aspartic acid.
Molecular consequence: missense variant.
Genome position (GRCh38, 1-based): chr1:1,213,714, T>C on the plus strand (A>G on the coding strand, the complement: TNFRSF4 is on the minus strand). VCF-style: chr1-1213714-T-C. GRCh37 (hg19) VCF-style: chr1-1149094-T-C.
Other names: short protein forms N73D.
Identifiers: ClinVar variation 1402151 (VCV001402151.9), dbSNP rs776299984, ClinGen allele CA512621.
Genomic context (GRCh38, chr1:1,213,714, plus strand): 5'-GGAGCTCACTGAGGTTACACCACGTGCAGGGCTTGCACGGCTTGGAGCTGACCACGTCGT[T>C]GTAGAAGCCCGGCCCGCACGGACGGCACACCGTGTTCTGGGAGCGGCTGCAGCGGCTCAC-3'
Protein context (NP_003318.1, residues 63-83): VCRPCGPGFY[Asn73Asp]DVVSSKPCKP